The following is an entry in ClinVar:

NM_001286577.2(C2CD3):c.3743G>A (p.Arg1248His)

Gene: C2CD3 (C2 domain containing 3 centriole elongation regulator; minus strand). Cytogenetic location: 11q13.4.
Variant type: single nucleotide variant.
Coding change: c.3743G>A on transcript NM_001286577.2 (MANE Select); coding-DNA position 3743, G replaced by A.
Protein change: p.Arg1248His; replaces arginine 1248 with histidine.
Molecular consequence: missense variant.
Genome position (GRCh38, 1-based): chr11:74,085,785, C>T on the plus strand (G>A on the coding strand, the complement: C2CD3 is on the minus strand). VCF-style: chr11-74085785-C-T. GRCh37 (hg19) VCF-style: chr11-73796830-C-T.
Other names: c.3743G>A, p.Arg1248His (NM_015531.6); c.3743G>A (NM_015531.4); short protein forms R1248H.
Identifiers: ClinVar variation 2178923 (VCV002178923.5), dbSNP rs750302216, ClinGen allele CA6182296.

ClinVar aggregate classification (germline): Conflicting classifications of pathogenicity. Review status: criteria provided, conflicting classifications (1 of 4 stars). 4 submissions from 4 submitters: Uncertain significance (3); Likely benign (1). Last evaluated 2026-06-01.

Conditions:
Inborn genetic diseases. Identifiers: MedGen C0950123, MeSH D030342.
Orofaciodigital syndrome type 14. Also called: Orofaciodigital syndrome xiv. Identifiers: Orphanet 434179, MedGen C4706604, MONDO:0014413, OMIM 615948.

Allele frequency attached by ClinVar (database versions not stated): TOPMed below 0.00001; gnomAD 0.00001; gnomAD exomes 0.00003; ExAC 0.00004.
gnomAD v4.1: 47 of 1,613,952 alleles (0.0029%); highest among the groups gnomAD compares: Middle Eastern, 0.033%; 1 homozygote.

Submissions (4):

CeGaT Center for Human Genetics Tuebingen
Classification: Likely benign. Last evaluated: 2026-06-01. Review status: criteria provided, single submitter. Criteria: CeGaT Center For Human Genetics Tuebingen Variant Classification Criteria Version 2. Collection method: clinical testing. Allele origin: germline. Affected: yes. Observed: 1 variant allele.
Comment: C2CD3: BP4

Ambry Genetics
Classification: Uncertain significance for Inborn genetic diseases. Last evaluated: 2025-08-29. Review status: criteria provided, single submitter. Criteria: Ambry Variant Classification Scheme 2023. Collection method: clinical testing. Allele origin: germline.

Fulgent Genetics
Classification: Uncertain significance for Orofaciodigital syndrome type 14. Last evaluated: 2024-06-12. Review status: criteria provided, single submitter. Criteria: ACMG Guidelines, 2015. Collection method: clinical testing. Allele origin: germline.

Labcorp Genetics (formerly Invitae), Labcorp
Classification: Uncertain significance. Last evaluated: 2022-04-12. Review status: criteria provided, single submitter. Criteria: Invitae Variant Classification Sherloc (09022015). Collection method: clinical testing. Allele origin: germline.
Comment: This sequence change replaces arginine, which is basic and polar, with histidine, which is basic and polar, at codon 1248 of the C2CD3 protein (p.Arg1248His). This variant is present in population databases (rs750302216, gnomAD 0.007%). This variant has not been reported in the literature in individuals affected with C2CD3-related conditions. Algorithms developed to predict the effect of missense changes on protein structure and function are either unavailable or do not agree on the potential impact of this missense change (SIFT: "Tolerated"; PolyPhen-2: "Possibly Damaging"; Align-GVGD: "Class C0"). In summary, the available evidence is currently insufficient to determine the role of this variant in disease. Therefore, it has been classified as a Variant of Uncertain Significance.